The following is an entry in ClinVar:

NM_000350.3(ABCA4):c.160+5G>C

Gene: ABCA4 (ATP binding cassette subfamily A member 4; minus strand). Cytogenetic location: 1p22.1.
Variant type: single nucleotide variant.
Coding change: c.160+5G>C on transcript NM_000350.3 (MANE Select); 5 bases into the intron after coding-DNA position 160, G replaced by C.
Molecular consequence: intron variant.
Genome position (GRCh38, 1-based): chr1:94,112,968, C>G on the plus strand (G>C on the coding strand, the complement: ABCA4 is on the minus strand). VCF-style: chr1-94112968-C-G. GRCh37 (hg19) VCF-style: chr1-94578524-C-G.
Identifiers: ClinVar variation 417978 (VCV000417978.6), dbSNP rs1064793004, ClinGen allele CA16617213.
Genomic context (GRCh38, chr1:94,112,968, plus strand): 5'-TTCTAGACAAAAGGCCCAGACCAAAGTCTCTTCAGGGCTTGCCCAAGCTACCCTGCTATG[C>G]TTACATTCATGATGGCTGTAGAGTGGGTTGGCATTCCTTAACCAGATCAAGACCAGAAAT-3'

ClinVar aggregate classification (germline): Pathogenic/Likely pathogenic. Review status: criteria provided, multiple submitters, no conflicts (2 of 4 stars). 3 submissions from 3 submitters: Pathogenic (2); Likely pathogenic (1). Last evaluated 2023-09-08.

Conditions:
ABCA4-related disorder. Also called: ABCA4-related disorders; ABCA4-related condition. Identifiers: MedGen CN239167.

gnomAD v4.1: 1 of 1,611,532 alleles (0.000062%); highest among the groups gnomAD compares: Non-Finnish European, 0.000085%; no homozygotes.

Submissions (3):

Labcorp Genetics (formerly Invitae), Labcorp
Classification: Pathogenic. Last evaluated: 2023-09-08. Review status: criteria provided, single submitter. Criteria: Invitae Variant Classification Sherloc (09022015). Collection method: clinical testing. Allele origin: germline.
Comment: For these reasons, this variant has been classified as Pathogenic. Variants that disrupt the consensus splice site are a relatively common cause of aberrant splicing (PMID: 17576681, 9536098). Studies have shown that this variant is associated with altered splicing resulting in multiple RNA products (PMID: 29162642). ClinVar contains an entry for this variant (Variation ID: 417978). This variant has been observed in individual(s) with Stargardt disease (PMID: 26593885, 29925512). This variant is not present in population databases (gnomAD no frequency). This sequence change falls in intron 2 of the ABCA4 gene. It does not directly change the encoded amino acid sequence of the ABCA4 protein. It affects a nucleotide within the consensus splice site.

Blueprint Genetics
Classification: Pathogenic for ABCA4-related disorders. Last evaluated: 2019-11-05. Review status: criteria provided, single submitter. Criteria: ACMG Guidelines, 2015. Collection method: clinical testing. Allele origin: germline. Affected: yes. Observed: 1 variant allele.

GeneDx
Classification: Likely pathogenic. Last evaluated: 2013-05-01. Review status: criteria provided, single submitter. Criteria: GeneDx Variant Classification (06012015). Collection method: clinical testing. Allele origin: germline. Affected: yes.
Comment: The c.160+5 G>C variant in the ABCA4 gene has not been reported as a pathogenic variant or as a benign polymorphism to our knowledge. Two different in silico models predict that the c.160+5 G>C change abolishes the splice donor site of intron 2. If this is the case, it would be expected to lead to either an abnormal message which is subject to nonsense-mediated mRNA decay or to an abnormal protein product if the message is used for protein translation. The c.160+5 G>C variant was not observed in approximately 5,000 individuals of European and African American ancestry in an external variant database, indicating it is not a common benign variant in these populations. Therefore, c.160+5 G>C is a strong candidate for a pathogenic variant, however the possibility that it is a benign variant cannot be excluded.

Literature cited by the submitters: PubMed 17576681 (cited by Labcorp Genetics (formerly Invitae), Labcorp); PubMed 9536098 (cited by Labcorp Genetics (formerly Invitae), Labcorp); PubMed 29162642 (cited by Labcorp Genetics (formerly Invitae), Labcorp); PubMed 26593885 (cited by Labcorp Genetics (formerly Invitae), Labcorp); PubMed 29925512 (cited by Labcorp Genetics (formerly Invitae), Labcorp).